The following is an entry in ClinVar:

ClinVar aggregate classification (germline): Benign (1 of 4 stars; one submission).

Submission:

CeGaT Center for Human Genetics Tuebingen
Classification: Benign. Last evaluated: 2023-01-01. Review status: criteria provided, single submitter. Criteria: CeGaT Center For Human Genetics Tuebingen Variant Classification Criteria Version 2. Collection method: clinical testing. Allele origin: germline. Affected: yes. Observed: 1 variant allele.
Comment: NALF1: BS1, BS2

NM_001080396.3(NALF1):c.230_238del (p.Arg77_Gln79del)

Gene: NALF1 (NALCN channel auxiliary factor 1; minus strand). Cytogenetic location: 13q33.3.
Variant type: Deletion.
Coding change: c.230_238del on transcript NM_001080396.3 (MANE Select); coding-DNA positions 230 to 238, 9 bases deleted (GGCAGCAGC; older notation c.230_238delGGCAGCAGC).
Protein change: p.Arg77_Gln79del.
Molecular consequence: inframe deletion.
Genome position (GRCh38, 1-based): chr13:107,866,359-107,866,367, GCTGCTGCC deleted on the plus strand (GGCAGCAGC on the coding strand, the reverse complement: NALF1 is on the minus strand); deleting any 9 consecutive bases within chr13:107,866,359-107,866,375 gives the same sequence; the c. name uses the placement nearest the transcript's 3' end. VCF-style (leftmost placement, unchanged base first): chr13-107866358-TGCTGCTGCC-T. GRCh37 (hg19) VCF-style: chr13-108518706-TGCTGCTGCC-T.
Identifiers: ClinVar variation 2643929 (VCV002643929.24), dbSNP rs764534910, ClinGen allele CA7043377.